The following is an entry in ClinVar:

ClinVar aggregate classification (germline): Uncertain significance (1 of 4 stars; one submission).

Conditions:
Deafness-encephaloneuropathy-obesity-valvulopathy syndrome. Identifiers: Orphanet 254898, MedGen C3553354, MONDO:0013837, OMIM 614651.

Submission:

Baylor Genetics
Classification: Uncertain significance for Deafness-encephaloneuropathy-obesity-valvulopathy syndrome. Last evaluated: 2018-08-30. Review status: criteria provided, single submitter. Criteria: ACMG Guidelines, 2015. Collection method: clinical testing. Allele origin: maternal. Affected: yes.
Comment: This variant was determined to be of uncertain significance according to ACMG Guidelines, 2015 [PMID:25741868].

NM_014317.5(PDSS1):c.94T>A (p.Leu32Met)

Gene: PDSS1 (decaprenyl diphosphate synthase subunit 1; plus strand). Cytogenetic location: 10p12.1.
Variant type: single nucleotide variant.
Coding change: c.94T>A on transcript NM_014317.5 (MANE Select); coding-DNA position 94, T replaced by A.
Protein change: p.Leu32Met; replaces leucine 32 with methionine.
Molecular consequence: missense variant. On other transcripts: 5 prime UTR variant (1).
Genome position (GRCh38, 1-based): chr10:26,697,805, T>A. VCF-style: chr10-26697805-T-A. GRCh37 (hg19) VCF-style: chr10-26986734-T-A.
Other names: c.94T>A, p.Leu32Met (NM_001321978.2); c.-500T>A (NM_001321979.2); short protein forms L32M.
Identifiers: ClinVar variation 1033284 (VCV001033284.1), dbSNP rs1834912984, ClinGen allele CA376488955.
Genomic context (GRCh38, chr10:26,697,805, plus strand): 5'-TGCTCCTGGAAGCCGGCGGCGCGGAGCCCCGGGCCCGGCTCCCCCGGCCGTGCGGGACCG[T>A]TGGGGCCGAGCGCCGCTGCCGAAGTCCGCGCGCAGGTGAGGTTGGGAGGCGCGCGCCCGG-3'
Protein context (NP_055132.2, residues 22-42): GPGSPGRAGP[Leu32Met]GPSAAAEVRA